The following is an entry in ClinVar:

ClinVar aggregate classification (germline): Uncertain significance. Review status: criteria provided, multiple submitters, no conflicts (2 of 4 stars). 4 submissions from 4 submitters: Uncertain significance (3). 1 of the submissions does not count toward it. Last evaluated 2025-10-16.

Conditions:
NPHP4-related disorder. Also called: NPHP4-related condition; NPHP4-related disorders. Identifiers: MedGen CN239384.
Inborn genetic diseases. Identifiers: MedGen C0950123, MeSH D030342.
Nephronophthisis. Also called: Juvenile Nephronophthisis. Identifiers: Orphanet 655, MedGen C0687120, MONDO:0019005, HP:0000090.
Retinal dystrophy. Also called: Inherited retinal dystrophy. Identifiers: Orphanet 71862, MedGen C0854723, MeSH D058499, MONDO:0019118, HP:0000556.

Allele frequency attached by ClinVar (database versions not stated): ExAC 0.00001; gnomAD 0.00002; TOPMed 0.00002; 1000 Genomes Project 30x 0.00016; 1000 Genomes Project 0.00020.

Submissions (4):

PreventionGenetics, part of Exact Sciences
Classification: Uncertain significance for NPHP4-related condition. Last evaluated: 2025-10-16. Review status: criteria provided, single submitter. Criteria: ACMG Guidelines, 2015. Collection method: clinical testing. Allele origin: germline.
Comment: The NPHP4 c.857G>A variant is predicted to result in the amino acid substitution p.Arg286His. To our knowledge, this variant has not been reported in the literature. This variant is reported in 0.0035% of alleles in individuals of South Asian descent in gnomAD. At this time, the clinical significance of this variant is uncertain due to the absence of conclusive functional and genetic evidence.

Ambry Genetics
Classification: Uncertain significance for Inborn genetic diseases. Last evaluated: 2025-08-04. Review status: criteria provided, single submitter. Criteria: Ambry Variant Classification Scheme 2023. Collection method: clinical testing. Allele origin: germline.

Labcorp Genetics (formerly Invitae), Labcorp
Classification: Uncertain significance for Nephronophthisis. Last evaluated: 2022-01-16. Review status: criteria provided, single submitter. Criteria: Invitae Variant Classification Sherloc (09022015). Collection method: clinical testing. Allele origin: germline.
Comment: This variant has not been reported in the literature in individuals affected with NPHP4-related conditions. In summary, the available evidence is currently insufficient to determine the role of this variant in disease. Therefore, it has been classified as a Variant of Uncertain Significance. Algorithms developed to predict the effect of missense changes on protein structure and function are either unavailable or do not agree on the potential impact of this missense change (SIFT: "Deleterious"; PolyPhen-2: "Probably Damaging"; Align-GVGD: "Class C0"). The frequency data for this variant in the population databases is considered unreliable, as metrics indicate poor data quality at this position in the gnomAD database. This sequence change replaces arginine, which is basic and polar, with histidine, which is basic and polar, at codon 286 of the NPHP4 protein (p.Arg286His).

Institute of Human Genetics, Univ. Regensburg, Univ. Regensburg
Classification: Uncertain significance for Retinal dystrophy. Last evaluated: 2023-01-01. Review status: no assertion criteria provided. Criteria: ACMG Guidelines, 2015. Collection method: clinical testing. Allele origin: germline. Affected: yes. Not counted in ClinVar's aggregate classification.

NM_015102.5(NPHP4):c.857G>A (p.Arg286His)

Gene: NPHP4 (nephrocystin 4; minus strand). Cytogenetic location: 1p36.31.
Variant type: single nucleotide variant.
Coding change: c.857G>A on transcript NM_015102.5 (MANE Select); coding-DNA position 857, G replaced by A.
Protein change: p.Arg286His; replaces arginine 286 with histidine.
Molecular consequence: missense variant. On other transcripts: 5 prime UTR variant (2), non-coding transcript variant (1).
Genome position (GRCh38, 1-based): chr1:5,948,205, C>T on the plus strand (G>A on the coding strand, the complement: NPHP4 is on the minus strand). VCF-style: chr1-5948205-C-T. GRCh37 (hg19) VCF-style: chr1-6008265-C-T.
Other names: c.-510G>A (NM_001291593.2, NM_001291594.2); c.857G>A (NM_015102.3, NM_015102.4); short protein forms R286H.
Identifiers: ClinVar variation 2043623 (VCV002043623.7), dbSNP rs536212285, ClinGen allele CA554718.